The following is an entry in ClinVar:

ClinVar aggregate classification (germline): Uncertain significance (1 of 4 stars; one submission).

Conditions:
Bifunctional peroxisomal enzyme deficiency (DBIF). Also called: DBP DEFICIENCY; PBFE DEFICIENCY; D-bifunctional protein deficiency. Identifiers: Orphanet 300, MedGen C0342870, MONDO:0009855, OMIM 261515. Disease mechanism: loss of function.
Perrault syndrome. Also called: Gonadal dysgenesis with auditory dysfunction, autosomal recessive inheritance. Identifiers: Orphanet 2855, MedGen C0685838, MONDO:0017312.

gnomAD v4.1: 1 of 1,583,458 alleles (0.000063%); highest among the groups gnomAD compares: Admixed American, 0.0017%; no homozygotes.

Submission:

Labcorp Genetics (formerly Invitae), Labcorp
Classification: Uncertain significance for Perrault syndrome; Bifunctional peroxisomal enzyme deficiency. Last evaluated: 2021-02-11. Review status: criteria provided, single submitter. Criteria: Invitae Variant Classification Sherloc (09022015). Collection method: clinical testing. Allele origin: germline.
Comment: In summary, the available evidence is currently insufficient to determine the role of this variant in disease. Therefore, it has been classified as a Variant of Uncertain Significance. Algorithms developed to predict the effect of missense changes on protein structure and function are either unavailable or do not agree on the potential impact of this missense change (SIFT: "Deleterious"; PolyPhen-2: "Probably Damaging"; Align-GVGD: "Class C0"). This variant has not been reported in the literature in individuals with HSD17B4-related conditions. This variant is not present in population databases (ExAC no frequency). This sequence change replaces aspartic acid with valine at codon 495 of the HSD17B4 protein (p.Asp495Val). The aspartic acid residue is moderately conserved and there is a large physicochemical difference between aspartic acid and valine.

NM_000414.4(HSD17B4):c.1484A>T (p.Asp495Val)

Gene: HSD17B4 (hydroxysteroid 17-beta dehydrogenase 4; plus strand). Cytogenetic location: 5q23.1.
Variant type: single nucleotide variant.
Coding change: c.1484A>T on transcript NM_000414.4 (MANE Select); coding-DNA position 1484, A replaced by T.
Protein change: p.Asp495Val; replaces aspartic acid 495 with valine.
Molecular consequence: missense variant. On other transcripts: non-coding transcript variant (2).
Genome position (GRCh38, 1-based): chr5:119,515,027, A>T. VCF-style: chr5-119515027-A-T. GRCh37 (hg19) VCF-style: chr5-118850722-A-T.
Other names: c.1559A>T, p.Asp520Val (NM_001199291.3); c.1430A>T, p.Asp477Val (NM_001199292.2); c.1412A>T, p.Asp471Val (NM_001292027.2, NM_001374498.1); c.1064A>T, p.Asp355Val (NM_001292028.2); c.1475A>T, p.Asp492Val (NM_001374497.1); c.1157A>T, p.Asp386Val (NM_001374499.1); c.1043A>T, p.Asp348Val (NM_001374500.1); c.1073A>T, p.Asp358Val (NM_001374501.1, NM_001374502.1, NM_001374503.1); short protein forms D348V, D355V, D358V, D386V, D471V, D492V, D495V, D520V.
Identifiers: ClinVar variation 1467458 (VCV001467458.8), dbSNP rs755720085, ClinGen allele CA360868976.